The following is an entry in ClinVar:

ClinVar aggregate classification (germline): Pathogenic/Likely pathogenic. Review status: criteria provided, multiple submitters, no conflicts (2 of 4 stars). 5 submissions from 5 submitters: Pathogenic (2); Likely pathogenic (2). 1 of the submissions does not count toward it. Last evaluated 2025-04-10.

Conditions:
Spastic paraplegia. Identifiers: MedGen C0037772, HP:0001258.
Charlevoix-Saguenay spastic ataxia (SACS). Also called: SPASTIC ATAXIA 6, AUTOSOMAL RECESSIVE; AUTOSOMAL RECESSIVE SPASTIC ATAXIA OF CHARLEVOIX-SAGUENAY; Spastic ataxia of Charlevoix-Saguenay. Identifiers: Orphanet 98, MedGen C1849140, MONDO:0010041, OMIM 270550.

Submissions (5):

Natera, Inc.
Classification: Likely pathogenic for Charlevoix-Saguenay type spastic ataxia. Last evaluated: 2025-04-10. Review status: criteria provided, single submitter. Criteria: Natera Variant Classification Schema (03/2026). Collection method: clinical testing. Allele origin: germline.
Comment: The c.10466_10467del variant in SACS is a frameshift variant predicted to shift the reading frame beginning at codon 3489 and leads to a stop codon 2 codons downstream. This variant is expected to result in nonsense mediated decay, truncation, or a dysfunctional protein product. This variant is rare in the general population with a frequency below the threshold expected for the associated phenotype(s). This variant has been observed in one or more individuals affected with the associated recessive disease, as either homozygous or compound heterozygous with a second variant (PMID: 21597885). Given the available evidence, this variant is classified as Likely Pathogenic.

Labcorp Genetics (formerly Invitae), Labcorp
Classification: Pathogenic for Spastic paraplegia. Last evaluated: 2024-10-24. Review status: criteria provided, single submitter. Criteria: Invitae Variant Classification Sherloc (09022015). Collection method: clinical testing. Allele origin: germline.
Comment: This sequence change creates a premature translational stop signal (p.Ser3489Leufs*2) in the SACS gene. While this is not anticipated to result in nonsense mediated decay, it is expected to disrupt the last 1091 amino acid(s) of the SACS protein. This variant is not present in population databases (gnomAD no frequency). This premature translational stop signal has been observed in individual(s) with SACS-related conditions (PMID: 21597885). ClinVar contains an entry for this variant (Variation ID: 188710). This variant disrupts a region of the SACS protein in which other variant(s) (p.Asn4549Asp) have been determined to be pathogenic (PMID: 15156359, 21507954). This suggests that this is a clinically significant region of the protein, and that variants that disrupt it are likely to be disease-causing. For these reasons, this variant has been classified as Pathogenic.

Baylor Genetics
Classification: Pathogenic for Charlevoix-Saguenay spastic ataxia. Last evaluated: 2023-08-16. Review status: criteria provided, single submitter. Criteria: ACMG Guidelines, 2015. Collection method: clinical testing. Allele origin: unknown.

Women's Health and Genetics/Laboratory Corporation of America, LabCorp
Classification: Likely pathogenic for Charlevoix-Saguenay spastic ataxia. Last evaluated: 2021-09-18. Review status: criteria provided, single submitter. Criteria: LabCorp Variant Classification Summary - May 2015. Collection method: clinical testing. Allele origin: germline.
Comment: Variant summary: SACS c.10466_10467delCT (p.Ser3489LeufsX2) results in a premature termination codon, predicted to cause a truncation of the encoded protein or absence of the protein due to nonsense mediated decay, which are commonly known mechanisms for disease. Truncations downstream of this position have been classified as pathogenic by our laboratory. The variant was absent in 245712 control chromosomes. c.10466_10467delCT has been reported in the literature as a compound heterozygous genotype in at-least one individual affected with Autosomal Recessive Spastic Ataxia Of Charlevoix-Saguenay and has been subsequently cited by others (example Desserre_2011, Criscuolo_2015). To our knowledge, no experimental evidence demonstrating an impact on protein function has been reported. No clinical diagnostic laboratories have submitted clinical-significance assessments for this variant to ClinVar after 2014. Based on the evidence outlined above, the variant was classified as likely pathogenic.

Counsyl
Classification: Likely pathogenic for Spastic ataxia Charlevoix-Saguenay type. Last evaluated: 2014-03-06. Review status: no assertion criteria provided. Collection method: literature only. Allele origin: unknown. Inheritance: Autosomal recessive inheritance. Not counted in ClinVar's aggregate classification.

Literature cited by the submitters: PubMed 21597885 (cited by 4 submitters); PubMed 15156359 (cited by Labcorp Genetics (formerly Invitae), Labcorp); PubMed 21507954 (cited by Labcorp Genetics (formerly Invitae), Labcorp); PubMed 26530509 (cited by Women's Health and Genetics/Laboratory Corporation of America, LabCorp).

NM_014363.6(SACS):c.10466_10467del (p.Ser3489fs)

Gene: SACS (sacsin molecular chaperone; minus strand). Cytogenetic location: 13q12.12.
Variant type: Microsatellite.
Coding change: c.10466_10467del on transcript NM_014363.6 (MANE Select); coding-DNA positions 10466 to 10467, 2 bases deleted (CT; older notation c.10466_10467delCT).
Protein change: p.Ser3489fs; shifts the reading frame from serine 3489.
Molecular consequence: frameshift variant.
Genome position (GRCh38, 1-based): chr13:23,333,409-23,333,410, AG deleted on the plus strand (CT on the coding strand, the reverse complement: SACS is on the minus strand); deleting any 2 consecutive bases within chr13:23,333,409-23,333,415 gives the same sequence; the c. name uses the placement nearest the transcript's 3' end. VCF-style (leftmost placement, unchanged base first): chr13-23333408-AAG-A. GRCh37 (hg19) VCF-style: chr13-23907547-AAG-A.
Other names: c.10025_10026del, p.Ser3342fs (NM_001278055.2); c.10466_10467del (NM_014363.5); short protein forms S3342fs, S3489fs.
Identifiers: ClinVar variation 188710 (VCV000188710.10), dbSNP rs786204416, ClinGen allele CA273875.